The following is an entry in ClinVar:

NM_201384.3(PLEC):c.1612C>T (p.Arg538Cys)

Gene: PLEC (plectin; minus strand). Cytogenetic location: 8q24.3.
Variant type: single nucleotide variant.
Coding change: c.1612C>T on transcript NM_201384.3 (MANE Select); coding-DNA position 1612, C replaced by T.
Protein change: p.Arg538Cys; replaces arginine 538 with cysteine.
Molecular consequence: missense variant.
Genome position (GRCh38, 1-based): chr8:143,932,918, G>A on the plus strand (C>T on the coding strand, the complement: PLEC is on the minus strand). VCF-style: chr8-143932918-G-A. GRCh37 (hg19) VCF-style: chr8-145007086-G-A.
Other names: c.1693C>T, p.Arg565Cys (NM_000445.5); c.1570C>T, p.Arg524Cys (NM_201378.4); c.1546C>T, p.Arg516Cys (NM_201379.3); c.2023C>T, p.Arg675Cys (NM_201380.4); c.1516C>T, p.Arg506Cys (NM_201381.3); c.1612C>T, p.Arg538Cys (NM_201382.4); c.1624C>T, p.Arg542Cys (NM_201383.3); short protein forms R506C, R516C, R524C, R538C, R542C, R565C, R675C.
Identifiers: ClinVar variation 1005364 (VCV001005364.29), dbSNP rs782678779, ClinGen allele CA4927916.
Genomic context (GRCh38, chr8:143,932,918, plus strand): 5'-GGCTGCCCAGCTGCGCCTCCACGCTGGGCAGGTCCACACCCCACTCAGCGCCATCCACAC[G>A]GTGCTGGTTCTCCTCCACCCAGGCCAGCAGGTCCTGCAGGTAGCGCAGAGTGGAGTCCTC-3'
Protein context (NP_958786.1, residues 528-548): LLAWVEENQH[Arg538Cys]VDGAEWGVDL

ClinVar aggregate classification (germline): Uncertain significance. Review status: criteria provided, multiple submitters, no conflicts (2 of 4 stars). 2 submissions from 2 submitters: Uncertain significance (2). Last evaluated 2023-03-19.

Conditions:
Autosomal recessive limb-girdle muscular dystrophy type 2Q (LGMDR17). Also called: MUSCULAR DYSTROPHY, LIMB-GIRDLE, AUTOSOMAL RECESSIVE 17. Identifiers: Orphanet 254361, MedGen C3150989, MONDO:0013390, OMIM 613723.
Epidermolysis bullosa simplex 5B, with muscular dystrophy (EBS5B). Also called: Epidermolysis bullosa simplex with muscular dystrophy; EPIDERMOLYSIS BULLOSA SIMPLEX AND LIMB-GIRDLE MUSCULAR DYSTROPHY. Identifiers: Orphanet 257, MedGen C2931072, MONDO:0009181, OMIM 226670.
Epidermolysis bullosa simplex 5C, with pyloric atresia (EBS5C). Also called: PLEC1-Related Epidermolysis Bullosa with Pyloric Atresia; PLEC-Related Epidermolysis Bullosa with Pyloric Atresia; Epidermolysis bullosa simplex with pyloric atresia. Identifiers: Orphanet 158684, MedGen C2677349, MONDO:0012807, OMIM 612138.
Epidermolysis bullosa simplex, Ogna type (EBS5A). Also called: Pidermolysis bullosa simplex 5A, Ogna type; EPIDERMOLYSIS BULLOSA SIMPLEX 5A, OGNA TYPE. Identifiers: Orphanet 79401, MedGen C0432317, MONDO:0007555, OMIM 131950.
Epidermolysis bullosa simplex with nail dystrophy (EBS5D). Identifiers: MedGen C4225309, MONDO:0014661, OMIM 616487.

Allele frequency attached by ClinVar (database versions not stated): gnomAD 0.00001; ExAC 0.00002; gnomAD exomes 0.00002; TOPMed 0.00002.

Submissions (2):

Labcorp Genetics (formerly Invitae), Labcorp
Classification: Uncertain significance for Autosomal recessive limb-girdle muscular dystrophy type 2Q; Epidermolysis bullosa simplex, Ogna type; Epidermolysis bullosa simplex with nail dystrophy; Epidermolysis bullosa simplex 5C, with pyloric atresia; Epidermolysis bullosa simplex 5B, with muscular dystrophy. Last evaluated: 2023-03-19. Review status: criteria provided, single submitter. Criteria: Invitae Variant Classification Sherloc (09022015). Collection method: clinical testing. Allele origin: germline.
Comment: This sequence change replaces arginine, which is basic and polar, with cysteine, which is neutral and slightly polar, at codon 565 of the PLEC protein (p.Arg565Cys). This variant is present in population databases (rs782678779, gnomAD 0.003%). This variant has not been reported in the literature in individuals affected with PLEC-related conditions. ClinVar contains an entry for this variant (Variation ID: 1005364). Advanced modeling of protein sequence and biophysical properties (such as structural, functional, and spatial information, amino acid conservation, physicochemical variation, residue mobility, and thermodynamic stability) performed at Invitae indicates that this missense variant is not expected to disrupt PLEC protein function. In summary, the available evidence is currently insufficient to determine the role of this variant in disease. Therefore, it has been classified as a Variant of Uncertain Significance.

CeGaT Center for Human Genetics Tuebingen
Classification: Uncertain significance. Last evaluated: 2023-03-01. Review status: criteria provided, single submitter. Criteria: CeGaT Center For Human Genetics Tuebingen Variant Classification Criteria Version 2. Collection method: clinical testing. Allele origin: germline. Affected: yes. Observed: 1 variant allele.
Comment: PLEC: PM2